The following is an entry in ClinVar:

ClinVar aggregate classification (germline): Likely benign (0 of 4 stars; one submission).

Conditions:
PLXNA1-related disorder. Also called: PLXNA1-related condition.

Allele frequency attached by ClinVar (database versions not stated): gnomAD 0.00001.
gnomAD v4.1: 40 of 1,613,036 alleles (0.0025%); highest among the groups gnomAD compares: Non-Finnish European, 0.0028%; no homozygotes.

Submission:

PreventionGenetics, part of Exact Sciences
Classification: Likely benign for PLXNA1-related condition. Last evaluated: 2023-06-27. Review status: no assertion criteria provided. Collection method: clinical testing. Allele origin: germline.
Comment: This variant is classified as likely benign based on ACMG/AMP sequence variant interpretation guidelines (Richards et al. 2015 PMID: 25741868, with internal and published modifications).

NM_032242.4(PLXNA1):c.3567G>A (p.Thr1189=)

Gene: PLXNA1 (plexin A1; plus strand). Cytogenetic location: 3q21.3.
Variant type: single nucleotide variant.
Coding change: c.3567G>A on transcript NM_032242.4 (MANE Select); coding-DNA position 3567, G replaced by A.
Protein change: p.Thr1189=; no amino-acid change (threonine 1189 retained).
Molecular consequence: synonymous variant.
Genome position (GRCh38, 1-based): chr3:127,017,799, G>A. VCF-style: chr3-127017799-G-A. GRCh37 (hg19) VCF-style: chr3-126736642-G-A.
Identifiers: ClinVar variation 3051009 (VCV003051009.2), dbSNP rs913917460, ClinGen allele CA83322090.